The following is an entry in ClinVar:

ClinVar aggregate classification (germline): Uncertain significance (1 of 4 stars; one submission).

Submission:

Greenwood Genetic Center Diagnostic Laboratories, Greenwood Genetic Center
Classification: Uncertain significance. Last evaluated: 2023-12-06. Review status: criteria provided, single submitter. Criteria: ACMG Guidelines, 2015. Collection method: clinical testing. Allele origin: germline. Affected: yes.
Comment: PM2

NM_001330574.2(ZNF711):c.1910A>G (p.Gln637Arg)

Gene: ZNF711 (zinc finger protein 711; plus strand). Cytogenetic location: Xq21.1.
Variant type: single nucleotide variant.
Coding change: c.1910A>G on transcript NM_001330574.2 (MANE Select); coding-DNA position 1910, A replaced by G.
Protein change: p.Gln637Arg; replaces glutamine 637 with arginine.
Molecular consequence: missense variant.
Genome position (GRCh38, 1-based): chrX:85,271,314, A>G. VCF-style: chrX-85271314-A-G. GRCh37 (hg19) VCF-style: chrX-84526320-A-G.
Other names: c.1910A>G, p.Gln637Arg (NM_001375431.1, NM_001375432.1, NM_001375433.1); c.1772A>G, p.Gln591Arg (NM_001375434.1, NM_001375435.1, NM_001375436.1 and 2 more transcripts); short protein forms Q637R, Q591R.
Identifiers: ClinVar variation 2692491 (VCV002692491.1), dbSNP rs2520415472, ClinGen allele CA413775794.